The following is an entry in ClinVar:

NM_002473.6(MYH9):c.2054C>G (p.Pro685Arg)

Gene: MYH9 (myosin heavy chain 9; minus strand). Cytogenetic location: 22q12.3.
Variant type: single nucleotide variant.
Coding change: c.2054C>G on transcript NM_002473.6 (MANE Select); coding-DNA position 2054, C replaced by G.
Protein change: p.Pro685Arg; replaces proline 685 with arginine.
Molecular consequence: missense variant.
Genome position (GRCh38, 1-based): chr22:36,306,035, G>C on the plus strand (C>G on the coding strand, the complement: MYH9 is on the minus strand). VCF-style: chr22-36306035-G-C. GRCh37 (hg19) VCF-style: chr22-36702081-G-C.
Other names: short protein forms P685R.
Identifiers: ClinVar variation 1313791 (VCV001313791.2), dbSNP rs779853972, ClinGen allele CA411397536.

ClinVar aggregate classification (germline): Uncertain significance (1 of 4 stars; one submission).

Submission:

GeneDx
Classification: Uncertain significance. Last evaluated: 2021-01-06. Review status: criteria provided, single submitter. Criteria: GeneDx Variant Classification Process June 2021. Collection method: clinical testing. Allele origin: germline. Affected: yes.
Comment: Not observed in large population cohorts (Lek et al., 2016); In silico analysis supports that this missense variant has a deleterious effect on protein structure/function; Has not been previously published as pathogenic or benign to our knowledge